The following is an entry in ClinVar:

NM_001032283.3(TMPO):c.565+1000A>C

Gene: TMPO (thymopoietin; plus strand). Cytogenetic location: 12q23.1.
Variant type: single nucleotide variant.
Coding change: c.565+1000A>C on transcript NM_001032283.3 (MANE Select); 1000 bases into the intron after coding-DNA position 565, A replaced by C.
Molecular consequence: intron variant. On other transcripts: missense variant (1).
Genome position (GRCh38, 1-based): chr12:98,532,838, A>C. VCF-style: chr12-98532838-A-C. GRCh37 (hg19) VCF-style: chr12-98926616-A-C.
Other names: c.581A>C, p.His194Pro (NM_003276.2); c.565+1000A>C (NM_001307975.2, NM_001032284.3); short protein forms H194P.
Identifiers: ClinVar variation 3223179 (VCV003223179.1), dbSNP rs757560595, ClinGen allele CA6732251.
Genomic context (GRCh38, chr12:98,532,838, plus strand): 5'-AAACACAGGTAATGCTTAAACTTCCTGCCTCTTTTGCCTCTACAGGAAAGAAGAAAGAAC[A>C]CAAGAAAGTGAAGTCCACTAGGGATATTGTTCCTTTTTCTGAACTTGGAACTACTCCCTC-3'

ClinVar aggregate classification (germline): Uncertain significance (1 of 4 stars; one submission).

Allele frequency attached by ClinVar (database versions not stated): gnomAD 0.00001.
gnomAD v4.1: 5 of 1,614,106 alleles (0.00031%); highest among the groups gnomAD compares: African/African-American, 0.0013%; no homozygotes.

Submission:

Ambry Genetics
Classification: Uncertain significance. Last evaluated: 2024-02-09. Review status: criteria provided, single submitter. Criteria: Ambry Variant Classification Scheme 2023. Collection method: clinical testing. Allele origin: germline.
Comment: The p.H194P variant (also known as c.581A>C), located in coding exon 4 of the TMPO gene, results from an A to C substitution at nucleotide position 581. The histidine at codon 194 is replaced by proline, an amino acid with similar properties. This amino acid position is conserved. In addition, this alteration is predicted to be tolerated by in silico analysis. Based on the available evidence, the clinical significance of this alteration remains unclear.